The following is an entry in ClinVar:

ClinVar aggregate classification (germline): Conflicting classifications of pathogenicity. Review status: criteria provided, conflicting classifications (1 of 4 stars). 3 submissions from 3 submitters: Uncertain significance (2); Likely benign (1). Last evaluated 2024-08-31.

Conditions:
Hereditary cancer-predisposing syndrome. Also called: Hereditary Cancer Syndrome; Hereditary neoplastic syndrome; Neoplastic Syndromes, Hereditary; Tumor predisposition. Identifiers: Orphanet 140162, MedGen C0027672, MeSH D009386, MONDO:0015356.
Carney complex, type 1 (CNC1). Also called: CARNEY MYXOMA-ENDOCRINE COMPLEX; CARNEY COMPLEX, TYPE I. Identifiers: Orphanet 1359, MedGen C2607929, MONDO:0008057, OMIM 160980.

gnomAD v4.1: 4 of 1,614,086 alleles (0.00025%); highest among the groups gnomAD compares: Non-Finnish European, 0.00034%; no homozygotes.

Submissions (3):

Labcorp Genetics (formerly Invitae), Labcorp
Classification: Likely benign for Carney complex, type 1. Last evaluated: 2024-08-31. Review status: criteria provided, single submitter. Criteria: Invitae Variant Classification Sherloc (09022015). Collection method: clinical testing. Allele origin: germline.

Ambry Genetics
Classification: Uncertain significance for Hereditary cancer-predisposing syndrome. Last evaluated: 2023-11-16. Review status: criteria provided, single submitter. Criteria: Ambry Variant Classification Scheme 2023. Collection method: clinical testing. Allele origin: germline.
Comment: The c.441-5T>G intronic variant results from a T to G substitution 5 nucleotides upstream from coding exon 4 in the PRKAR1A gene. This nucleotide position is not well conserved in available vertebrate species. In silico splice site analysis predicts that this alteration may result in the creation or strengthening of a novel splice acceptor site; however, direct evidence is insufficient at this time (Ambry internal data). Since supporting evidence is limited at this time, the clinical significance of this alteration remains unclear.

GeneDx
Classification: Uncertain significance. Last evaluated: 2021-03-31. Review status: criteria provided, single submitter. Criteria: GeneDx Variant Classification Process June 2021. Collection method: clinical testing. Allele origin: germline. Affected: yes.
Comment: Has not been previously published as pathogenic or benign to our knowledge; In-silico analysis, which includes splice predictors and evolutionary conservation, is inconclusive as to whether the variant alters gene splicing. In the absence of RNA/functional studies, the actual effect of this sequence change is unknown.; Not observed in large population cohorts (Lek 2016)

NM_002734.5(PRKAR1A):c.441-5T>G

Gene: PRKAR1A (protein kinase cAMP-dependent type I regulatory subunit alpha; plus strand). Cytogenetic location: 17q24.2.
Variant type: single nucleotide variant.
Coding change: c.441-5T>G on transcript NM_002734.5 (MANE Select); 5 bases into the intron before coding-DNA position 441, T replaced by G.
Molecular consequence: intron variant.
Genome position (GRCh38, 1-based): chr17:68,524,011, T>G. VCF-style: chr17-68524011-T-G. GRCh37 (hg19) VCF-style: chr17-66520152-T-G.
Other names: c.441-5T>G (NM_002734.3, NM_001278433.2, NM_001369389.1 and 5 more transcripts).
Identifiers: ClinVar variation 406173 (VCV000406173.13), dbSNP rs771949207, ClinGen allele CA16615967.
Genomic context (GRCh38, chr17:68,524,011, plus strand): 5'-CTTAATGTTTGAAATTCACGGAAGAGACATGTGAAATGTAACACGAGGCCTTCTCTCTTT[T>G]GCAGTGATATTTTTGATGCCATGTTTTCGGTCTCCTTTATCGCAGGAGAGACTGTGATTC-3'